The following is an entry in ClinVar:

NM_002617.4(PEX10):c.882G>C (p.Trp294Cys)

Gene: PEX10 (peroxisomal biogenesis factor 10; minus strand). Cytogenetic location: 1p36.32.
Variant type: single nucleotide variant.
Coding change: c.882G>C on transcript NM_002617.4 (MANE Select); coding-DNA position 882, G replaced by C.
Protein change: p.Trp294Cys; replaces tryptophan 294 with cysteine.
Molecular consequence: missense variant. On other transcripts: non-coding transcript variant (1).
Genome position (GRCh38, 1-based): chr1:2,406,514, C>G on the plus strand (G>C on the coding strand, the complement: PEX10 is on the minus strand). VCF-style: chr1-2406514-C-G. GRCh37 (hg19) VCF-style: chr1-2337953-C-G.
Other names: c.939G>C, p.Trp313Cys (NM_001374425.1); c.507G>C, p.Trp169Cys (NM_001374426.1); c.450G>C, p.Trp150Cys (NM_001374427.1); c.942G>C, p.Trp314Cys (NM_153818.2); short protein forms W150C, W313C, W294C, W169C, W314C.
Identifiers: ClinVar variation 2094184 (VCV002094184.4), dbSNP rs2522256455, ClinGen allele CA337984182.

ClinVar aggregate classification (germline): Uncertain significance (1 of 4 stars; one submission).

Conditions:
Peroxisome biogenesis disorder, complementation group 7 (CG7). Also called: Peroxisome biogenesis disorder, complementation group B. Identifiers: MedGen C1864399.

Submission:

Labcorp Genetics (formerly Invitae), Labcorp
Classification: Uncertain significance for Peroxisome biogenesis disorder, complementation group 7. Last evaluated: 2022-02-06. Review status: criteria provided, single submitter. Criteria: Invitae Variant Classification Sherloc (09022015). Collection method: clinical testing. Allele origin: germline.
Comment: In summary, the available evidence is currently insufficient to determine the role of this variant in disease. Therefore, it has been classified as a Variant of Uncertain Significance. Algorithms developed to predict the effect of missense changes on protein structure and function (SIFT, PolyPhen-2, Align-GVGD) all suggest that this variant is likely to be disruptive. This variant has not been reported in the literature in individuals affected with PEX10-related conditions. This variant is not present in population databases (gnomAD no frequency). This sequence change replaces tryptophan, which is neutral and slightly polar, with cysteine, which is neutral and slightly polar, at codon 314 of the PEX10 protein (p.Trp314Cys).